The following is an entry in ClinVar:

ClinVar aggregate classification (germline): Uncertain significance (1 of 4 stars; one submission).

Conditions:
Muscle AMP deaminase deficiency (MMDD). Also called: Myoadenylate deaminase deficiency, myopathy due to; Adenosine monophosphate deaminase 1 deficiency; AMP deaminase 1 deficiency; Adenosine Monophosphate Deaminase 1; ADENOSINE MONOPHOSPHATE DEAMINASE-1 DEFICIENCY, MYOPATHY DUE TO; AMPD1 DEFICIENCY. Identifiers: Orphanet 45, MedGen C3714933, MONDO:0014220, OMIM 615511.

Submission:

Labcorp Genetics (formerly Invitae), Labcorp
Classification: Uncertain significance for Muscle AMP deaminase deficiency. Last evaluated: 2022-02-28. Review status: criteria provided, single submitter. Criteria: Invitae Variant Classification Sherloc (09022015). Collection method: clinical testing. Allele origin: germline.
Comment: This variant is not present in population databases (gnomAD no frequency). This sequence change replaces glutamine, which is neutral and polar, with histidine, which is basic and polar, at codon 286 of the AMPD1 protein (p.Gln286His). This variant has not been reported in the literature in individuals affected with AMPD1-related conditions. In summary, the available evidence is currently insufficient to determine the role of this variant in disease. Therefore, it has been classified as a Variant of Uncertain Significance. Algorithms developed to predict the effect of missense changes on protein structure and function are either unavailable or do not agree on the potential impact of this missense change (SIFT: "Tolerated"; PolyPhen-2: "Possibly Damaging"; Align-GVGD: "Class C0").

NM_000036.3(AMPD1):c.759A>T (p.Gln253His)

Gene: AMPD1 (adenosine monophosphate deaminase 1; minus strand). Cytogenetic location: 1p13.2.
Variant type: single nucleotide variant.
Coding change: c.759A>T on transcript NM_000036.3 (MANE Select); coding-DNA position 759, A replaced by T.
Protein change: p.Gln253His; replaces glutamine 253 with histidine.
Molecular consequence: missense variant.
Genome position (GRCh38, 1-based): chr1:114,680,267, T>A on the plus strand (A>T on the coding strand, the complement: AMPD1 is on the minus strand). VCF-style: chr1-114680267-T-A. GRCh37 (hg19) VCF-style: chr1-115222888-T-A.
Other names: c.747A>T, p.Gln249His (NM_001172626.2); short protein forms Q249H, Q253H.
Identifiers: ClinVar variation 2104181 (VCV002104181.4), dbSNP rs767365709, ClinGen allele CA341750288.